The following is an entry in ClinVar:

NM_001387430.1(SH2B1):c.180C>T (p.Ala60=)

Gene: SH2B1 (SH2B adaptor protein 1; plus strand). Cytogenetic location: 16p11.2.
Variant type: single nucleotide variant.
Coding change: c.180C>T on transcript NM_001387430.1 (MANE Select); coding-DNA position 180, C replaced by T.
Protein change: p.Ala60=; no amino-acid change (alanine 60 retained).
Molecular consequence: synonymous variant. On other transcripts: intron variant (1).
Genome position (GRCh38, 1-based): chr16:28,866,274, C>T. VCF-style: chr16-28866274-C-T. GRCh37 (hg19) VCF-style: chr16-28877595-C-T.
Other names: c.180C>T, p.Ala60= (NM_001145795.2, NM_001145796.2, NM_001145797.2 and 4 more transcripts); c.-26-1100C>T (NM_001308294.2).
Identifiers: ClinVar variation 3035001 (VCV003035001.20), dbSNP rs550314573, ClinGen allele CA7985870.

ClinVar aggregate classification (germline): Likely benign. Review status: criteria provided, single submitter (1 of 4 stars). 2 submissions from 2 submitters: Likely benign (1). 1 of the submissions does not count toward it. Last evaluated 2024-05-01.

Conditions:
SH2B1-related disorder. Also called: SH2B1-related condition.

Allele frequency attached by ClinVar (database versions not stated): TOPMed 0.00002; gnomAD exomes 0.00008; gnomAD 0.00011; ExAC 0.00019; 1000 Genomes Project 0.00060; 1000 Genomes Project 30x 0.00094.
gnomAD v4.1: 129 of 1,610,256 alleles (0.008%); highest among the groups gnomAD compares: South Asian, 0.11%; 1 homozygote.

Submissions (2):

CeGaT Center for Human Genetics Tuebingen
Classification: Likely benign. Last evaluated: 2024-05-01. Review status: criteria provided, single submitter. Criteria: CeGaT Center For Human Genetics Tuebingen Variant Classification Criteria Version 2. Collection method: clinical testing. Allele origin: germline. Affected: yes. Observed: 1 variant allele.
Comment: SH2B1: BP4, BP7

PreventionGenetics, part of Exact Sciences
Classification: Likely benign for SH2B1-related condition. Last evaluated: 2020-09-11. Review status: no assertion criteria provided. Collection method: clinical testing. Allele origin: germline. Not counted in ClinVar's aggregate classification.
Comment: This variant is classified as likely benign based on ACMG/AMP sequence variant interpretation guidelines (Richards et al. 2015 PMID: 25741868, with internal and published modifications).